The following is an entry in ClinVar:

ClinVar aggregate classification (germline): Uncertain significance (0 of 4 stars; one submission).

Conditions:
SLC27A5-related disorder. Also called: SLC27A5-related condition.

Submission:

PreventionGenetics, part of Exact Sciences
Classification: Uncertain significance for SLC27A5-related condition. Last evaluated: 2024-01-02. Review status: no assertion criteria provided. Collection method: clinical testing. Allele origin: germline.
Comment: The SLC27A5 c.1577C>T variant is predicted to result in the amino acid substitution p.Ser526Leu. To our knowledge, this variant has not been reported in the literature or in a large population database, indicating this variant is rare. At this time, the clinical significance of this variant is uncertain due to the absence of conclusive functional and genetic evidence.

NM_012254.3(SLC27A5):c.1577C>T (p.Ser526Leu)

Genes: SLC27A5 (solute carrier family 27 member 5; minus strand), LOC130065229 (ATAC-STARR-seq lymphoblastoid active region 15205; plus strand). Cytogenetic location: 19q13.43.
Variant type: single nucleotide variant.
Coding change: c.1577C>T on transcript NM_012254.3 (MANE Select); coding-DNA position 1577, C replaced by T.
Protein change: p.Ser526Leu; replaces serine 526 with leucine.
Molecular consequence: missense variant.
Genome position (GRCh38, 1-based): chr19:58,499,582, G>A on the plus strand (C>T on the coding strand, the complement: SLC27A5 is on the minus strand). VCF-style: chr19-58499582-G-A. GRCh37 (hg19) VCF-style: chr19-59010949-G-A.
Other names: c.1325C>T, p.Ser442Leu (NM_001321196.2); short protein forms S442L, S526L.
Identifiers: ClinVar variation 3060179 (VCV003060179.2), dbSNP rs1182553248, ClinGen allele CA407948561.